The following is an entry in ClinVar:

ClinVar aggregate classification (germline): Uncertain significance (1 of 4 stars; one submission).

Conditions:
Familial adenomatous polyposis 1 (FAP1). Also called: FAMILIAL ADENOMATOUS POLYPOSIS 1, ATTENUATED; POLYPOSIS, ADENOMATOUS INTESTINAL. Identifiers: MedGen C2713442, MONDO:0021056, OMIM 175100. Disease mechanism: loss of function.

Submission:

Labcorp Genetics (formerly Invitae), Labcorp
Classification: Uncertain significance for Familial adenomatous polyposis 1. Last evaluated: 2025-02-03. Review status: criteria provided, single submitter. Criteria: Invitae Variant Classification Sherloc (09022015). Collection method: clinical testing. Allele origin: germline.
Comment: This variant occurs in a non-coding region of the APC gene. It does not change the encoded amino acid sequence of the APC protein. This variant is not present in population databases (gnomAD no frequency). This variant has not been reported in the literature in individuals affected with APC-related conditions. Experimental studies and prediction algorithms are not available or were not evaluated, and the functional significance of this variant is currently unknown. In summary, the available evidence is currently insufficient to determine the role of this variant in disease. Therefore, it has been classified as a Variant of Uncertain Significance.

NC_000005.10:g.112707345del

Gene: APC (APC regulator of Wnt signaling pathway; plus strand). Cytogenetic location: 5q22.2.
Variant type: Deletion.
Genome position: GRCh38 VCF-style: chr5-112707344-CT-C. GRCh37 (hg19) VCF-style: chr5-112043041-CT-C.
Identifiers: ClinVar variation 1014343 (VCV001014343.8), dbSNP rs1750550359, ClinGen allele CA1573442180.
Genomic context (GRCh38, chr5:112,707,344, plus strand): 5'-GTGTGTGCAGAAGGATCTATTAACTGGGCTGCAGCACAATTCAGAGAAGGCCAGTAAGTG[CT>C]GCAACTGAGACTCGGCTGCCTAGGCAGCAATGGCTCACGGGACAGAACAGCGAAGCAGTG-3'